The following is an entry in ClinVar:

NM_152490.5(B3GALNT2):c.1013A>G (p.Asn338Ser)

Gene: B3GALNT2 (beta-1,3-N-acetylgalactosaminyltransferase 2; minus strand). Cytogenetic location: 1q42.3.
Variant type: single nucleotide variant.
Coding change: c.1013A>G on transcript NM_152490.5 (MANE Select); coding-DNA position 1013, A replaced by G.
Protein change: p.Asn338Ser; replaces asparagine 338 with serine.
Molecular consequence: missense variant.
Genome position (GRCh38, 1-based): chr1:235,458,615, T>C on the plus strand (A>G on the coding strand, the complement: B3GALNT2 is on the minus strand). VCF-style: chr1-235458615-T-C. GRCh37 (hg19) VCF-style: chr1-235621923-T-C.
Other names: c.1013A>G (NM_152490.3); short protein forms N338S.
Identifiers: ClinVar variation 540914 (VCV000540914.8), dbSNP rs1553343724, ClinGen allele CA344959503.

ClinVar aggregate classification (germline): Uncertain significance. Review status: criteria provided, multiple submitters, no conflicts (2 of 4 stars). 2 submissions from 2 submitters: Uncertain significance (2). Last evaluated 2022-06-27.

Conditions:
Muscular dystrophy-dystroglycanopathy (congenital with brain and eye anomalies), type a, 11 (MDDGA11). Also called: WALKER-WARBURG SYNDROME OR MUSCLE-EYE-BRAIN DISEASE, B3GALNT2-RELATED; Congenital muscular dystrophy-dystroglycanopathy with brain and eye anomalies, type A11; Muscular dystrophy-dystroglycanopathy (congenital with brain and eye anomalies, type A, 11. Identifiers: Orphanet 588, Orphanet 899, MedGen C3554638, MONDO:0014071, OMIM 615181.

Submissions (2):

Labcorp Genetics (formerly Invitae), Labcorp
Classification: Uncertain significance for Muscular dystrophy-dystroglycanopathy (congenital with brain and eye anomalies), type a, 11. Last evaluated: 2022-06-27. Review status: criteria provided, single submitter. Criteria: Invitae Variant Classification Sherloc (09022015). Collection method: clinical testing. Allele origin: germline.
Comment: Algorithms developed to predict the effect of missense changes on protein structure and function output the following: SIFT: "Tolerated"; PolyPhen-2: "Benign"; Align-GVGD: "Class C0". The serine amino acid residue is found in multiple mammalian species, which suggests that this missense change does not adversely affect protein function. In summary, the available evidence is currently insufficient to determine the role of this variant in disease. Therefore, it has been classified as a Variant of Uncertain Significance. This variant is not present in population databases (gnomAD no frequency). ClinVar contains an entry for this variant (Variation ID: 540914). This variant has not been reported in the literature in individuals affected with B3GALNT2-related conditions. This sequence change replaces asparagine, which is neutral and polar, with serine, which is neutral and polar, at codon 338 of the B3GALNT2 protein (p.Asn338Ser).

Revvity Omics, Revvity
Classification: Uncertain significance for Muscular dystrophy-dystroglycanopathy (congenital with brain and eye anomalies), type a, 11. Last evaluated: 2019-07-19. Review status: criteria provided, single submitter. Criteria: ACMG Guidelines, 2015. Collection method: clinical testing. Allele origin: germline.